The following is an entry in ClinVar:

NM_006785.4(MALT1):c.1238C>T (p.Ala413Val)

Gene: MALT1 (MALT1 paracaspase; plus strand). Cytogenetic location: 18q21.32.
Variant type: single nucleotide variant.
Coding change: c.1238C>T on transcript NM_006785.4 (MANE Select); coding-DNA position 1238, C replaced by T.
Protein change: p.Ala413Val; replaces alanine 413 with valine.
Molecular consequence: missense variant.
Genome position (GRCh38, 1-based): chr18:58,733,412, C>T. VCF-style: chr18-58733412-C-T. GRCh37 (hg19) VCF-style: chr18-56400644-C-T.
Other names: c.1238C>T (NM_006785.2); c.1238C>T, p.Ala413Val (LRG_1221t1); c.1205C>T, p.Ala402Val (NM_173844.3); short protein forms A413V, A402V.
Identifiers: ClinVar variation 579357 (VCV000579357.8), dbSNP rs146860698, ClinGen allele CA8977867.
Genomic context (GRCh38, chr18:58,733,412, plus strand): 5'-ATTTAGAATTGACATCTATCTCTCTCTTATTTTTCCTCTTTTCAGGGTTATTATATTATG[C>T]AGGACATGGTTATGAAAATTTTGGGAACAGCTTCATGGTCCCCGTTGATGCTCCAAATCC-3'
Protein context (NP_006776.1, residues 403-423): DKGVYGLLYY[Ala413Val]GHGYENFGNS

ClinVar aggregate classification (germline): Uncertain significance. Review status: criteria provided, multiple submitters, no conflicts (2 of 4 stars). 3 submissions from 3 submitters: Uncertain significance (3). Last evaluated 2025-06-17.

Conditions:
Combined immunodeficiency due to MALT1 deficiency. Also called: Immunodeficiency 12. Identifiers: Orphanet 397964, MedGen C3809583, MONDO:0014197, OMIM 615468.
Inborn genetic diseases. Identifiers: MedGen C0950123, MeSH D030342.

Allele frequency attached by ClinVar (database versions not stated): TOPMed 0.00013; gnomAD 0.00015 and 0.00016; ESP Exome Variant Server 0.00031; gnomAD exomes 0.00033 and 0.00034; ExAC 0.00039.
gnomAD v4.1: 513 of 1,606,040 alleles (0.032%); highest among the groups gnomAD compares: Non-Finnish European, 0.042%; 1 homozygote.

Submissions (3):

Ambry Genetics
Classification: Uncertain significance for Inborn genetic diseases. Last evaluated: 2025-06-17. Review status: criteria provided, single submitter. Criteria: Ambry Variant Classification Scheme 2023. Collection method: clinical testing. Allele origin: germline.

Blueprint Genetics
Classification: Uncertain significance. Last evaluated: 2024-08-07. Review status: criteria provided, single submitter. Criteria: ACMG Guidelines, 2015. Collection method: clinical testing. Allele origin: germline.

Labcorp Genetics (formerly Invitae), Labcorp
Classification: Uncertain significance for Combined immunodeficiency due to MALT1 deficiency. Last evaluated: 2022-08-16. Review status: criteria provided, single submitter. Criteria: Invitae Variant Classification Sherloc (09022015). Collection method: clinical testing. Allele origin: germline.
Comment: This sequence change replaces alanine, which is neutral and non-polar, with valine, which is neutral and non-polar, at codon 413 of the MALT1 protein (p.Ala413Val). This variant is present in population databases (rs146860698, gnomAD 0.06%). This variant has not been reported in the literature in individuals affected with MALT1-related conditions. ClinVar contains an entry for this variant (Variation ID: 579357). Algorithms developed to predict the effect of missense changes on protein structure and function are either unavailable or do not agree on the potential impact of this missense change (SIFT: "Tolerated"; PolyPhen-2: "Probably Damaging"; Align-GVGD: "Class C0"). In summary, the available evidence is currently insufficient to determine the role of this variant in disease. Therefore, it has been classified as a Variant of Uncertain Significance.